The following is an entry in ClinVar:

NM_001846.4(COL4A2):c.1979-3del

Gene: COL4A2 (collagen type IV alpha 2 chain; plus strand). Cytogenetic location: 13q34.
Variant type: Deletion.
Coding change: c.1979-3del on transcript NM_001846.4 (MANE Select); 3 bases into the intron before coding-DNA position 1979, one base deleted (C; older notation c.1979-3delC).
Molecular consequence: intron variant.
Genome position (GRCh38, 1-based): chr13:110,466,000, C deleted; the last of 6 consecutive C bases (chr13:110,465,995-110,466,000); deleting any one gives the same sequence. VCF-style (leftmost placement, unchanged base first): chr13-110465994-TC-T. GRCh37 (hg19) VCF-style: chr13-111118341-TC-T.
Identifiers: ClinVar variation 3037695 (VCV003037695.4), dbSNP rs764182733, ClinGen allele CA7049777.

ClinVar aggregate classification (germline): Benign. Review status: criteria provided, single submitter (1 of 4 stars). 2 submissions from 2 submitters: Benign (1). 1 of the submissions does not count toward it. Last evaluated 2024-05-08.

Conditions:
COL4A2-related disorder. Also called: COL4A2-related disorders; COL4A2-related condition.

Submissions (2):

Labcorp Genetics (formerly Invitae), Labcorp
Classification: Benign. Last evaluated: 2024-05-08. Review status: criteria provided, single submitter. Criteria: Invitae Variant Classification Sherloc (09022015). Collection method: clinical testing. Allele origin: germline.

PreventionGenetics, part of Exact Sciences
Classification: Likely benign for COL4A2-related condition. Last evaluated: 2019-05-02. Review status: no assertion criteria provided. Collection method: clinical testing. Allele origin: germline. Not counted in ClinVar's aggregate classification.
Comment: This variant is classified as likely benign based on ACMG/AMP sequence variant interpretation guidelines (Richards et al. 2015 PMID: 25741868, with internal and published modifications).